The following is an entry in ClinVar:

NM_003738.5(PTCH2):c.2380G>A (p.Ala794Thr)

Gene: PTCH2 (patched 2; minus strand). Cytogenetic location: 1p34.1.
Variant type: single nucleotide variant.
Coding change: c.2380G>A on transcript NM_003738.5 (MANE Select); coding-DNA position 2380, G replaced by A.
Protein change: p.Ala794Thr; replaces alanine 794 with threonine.
Molecular consequence: missense variant.
Genome position (GRCh38, 1-based): chr1:44,827,301, C>T on the plus strand (G>A on the coding strand, the complement: PTCH2 is on the minus strand). VCF-style: chr1-44827301-C-T. GRCh37 (hg19) VCF-style: chr1-45292973-C-T.
Other names: c.2380G>A, p.Ala794Thr (NM_001166292.2); short protein forms A794T.
Identifiers: ClinVar variation 968681 (VCV000968681.8), dbSNP rs753274452, ClinGen allele CA823022.

ClinVar aggregate classification (germline): Uncertain significance (1 of 4 stars; one submission).

Conditions:
Gorlin syndrome. Also called: Nevoid Basal Cell Carcinoma Syndrome; Basal cell nevus syndrome. Identifiers: Orphanet 377, MedGen C0004779, MONDO:0007187.

Allele frequency attached by ClinVar (database versions not stated): gnomAD exomes below 0.00001; TOPMed below 0.00001; ExAC 0.00001; gnomAD 0.00001.
gnomAD v4.1: 5 of 1,613,772 alleles (0.00031%); highest among the groups gnomAD compares: Non-Finnish European, 0.00042%; no homozygotes.

Submission:

Labcorp Genetics (formerly Invitae), Labcorp
Classification: Uncertain significance for Gorlin syndrome. Last evaluated: 2025-03-10. Review status: criteria provided, single submitter. Criteria: Invitae Variant Classification Sherloc (09022015). Collection method: clinical testing. Allele origin: germline.
Comment: This sequence change replaces alanine, which is neutral and non-polar, with threonine, which is neutral and polar, at codon 794 of the PTCH2 protein (p.Ala794Thr). This variant is present in population databases (rs753274452, gnomAD 0.0009%). This variant has not been reported in the literature in individuals affected with PTCH2-related conditions. ClinVar contains an entry for this variant (Variation ID: 968681). Invitae Evidence Modeling of protein sequence and biophysical properties (such as structural, functional, and spatial information, amino acid conservation, physicochemical variation, residue mobility, and thermodynamic stability) indicates that this missense variant is not expected to disrupt PTCH2 protein function with a negative predictive value of 80%. In summary, the available evidence is currently insufficient to determine the role of this variant in disease. Therefore, it has been classified as a Variant of Uncertain Significance.